The following is an entry in ClinVar:

NM_007254.4(PNKP):c.1123G>T (p.Gly375Trp)

Gene: PNKP (polynucleotide kinase 3'-phosphatase; minus strand). Cytogenetic location: 19q13.33.
Variant type: single nucleotide variant.
Coding change: c.1123G>T on transcript NM_007254.4 (MANE Select); coding-DNA position 1123, G replaced by T.
Protein change: p.Gly375Trp; replaces glycine 375 with tryptophan.
Molecular consequence: missense variant.
Genome position (GRCh38, 1-based): chr19:49,862,188, C>A on the plus strand (G>T on the coding strand, the complement: PNKP is on the minus strand). VCF-style: chr19-49862188-C-A. GRCh37 (hg19) VCF-style: chr19-50365445-C-A.
Other names: short protein forms G375W.
Identifiers: ClinVar variation 187766 (VCV000187766.52), dbSNP rs786203983, ClinGen allele CA198504.

ClinVar aggregate classification (germline): Pathogenic. Review status: criteria provided, multiple submitters, no conflicts (2 of 4 stars). 9 submissions from 9 submitters: Pathogenic (8). 1 of the submissions does not count toward it. Last evaluated 2025-08-13.

Conditions:
Inborn genetic diseases. Identifiers: MedGen C0950123, MeSH D030342.
PNKP-related disorder. Also called: PNKP-related disorders; PNKP-related condition.
Ataxia - oculomotor apraxia type 4. Identifiers: Orphanet 459033, MedGen C4225397, MONDO:0014557, OMIM 616267.
Developmental and epileptic encephalopathy, 12 (DEE12). Identifiers: MedGen C3150988, MONDO:0013389, OMIM 613722.
Microcephaly, seizures, and developmental delay. Identifiers: Orphanet 1934, MedGen C3150667, MONDO:0013254, OMIM 613402.

Allele frequency attached by ClinVar (database versions not stated): gnomAD 0.00004; TOPMed 0.00005.
gnomAD v4.1: 11 of 1,613,736 alleles (0.00068%); highest among the groups gnomAD compares: Admixed American, 0.0033%; no homozygotes.

Submissions (9):

Labcorp Genetics (formerly Invitae), Labcorp
Classification: Pathogenic for Developmental and epileptic encephalopathy, 12. Last evaluated: 2025-08-13. Review status: criteria provided, single submitter. Criteria: Invitae Variant Classification Sherloc (09022015). Collection method: clinical testing. Allele origin: germline.
Comment: This sequence change replaces glycine, which is neutral and non-polar, with tryptophan, which is neutral and slightly polar, at codon 375 of the PNKP protein (p.Gly375Trp). This variant is not present in population databases (gnomAD no frequency). This missense change has been observed in individual(s) with ataxia with oculomotor apraxia (PMID: 25728773, 31061747). In at least one individual the data is consistent with being in trans (on the opposite chromosome) from a pathogenic variant. It has also been observed to segregate with disease in related individuals. ClinVar contains an entry for this variant (Variation ID: 187766). Invitae Evidence Modeling of protein sequence and biophysical properties (such as structural, functional, and spatial information, amino acid conservation, physicochemical variation, residue mobility, and thermodynamic stability) indicates that this missense variant is expected to disrupt PNKP protein function with a positive predictive value of 80%. For these reasons, this variant has been classified as Pathogenic.

Women's Health and Genetics/Laboratory Corporation of America, LabCorp
Classification: Pathogenic for Ataxia - oculomotor apraxia type 4. Last evaluated: 2025-01-31. Review status: criteria provided, single submitter. Criteria: LabCorp Variant Classification Summary - May 2015. Collection method: clinical testing. Allele origin: germline.
Comment: Variant summary: PNKP c.1123G>T (p.Gly375Trp) results in a non-conservative amino acid change in the encoded protein sequence. Five of five in-silico tools predict a damaging effect of the variant on protein function. The variant was absent in 250354 control chromosomes. c.1123G>T has been reported in the literature in multiple individuals affected with Ataxia - oculomotor apraxia type 4 (e.g. Bras_2015). These data indicate that the variant is very likely to be associated with disease. The following publication has been ascertained in the context of this evaluation (PMID: 25728773). ClinVar contains an entry for this variant (Variation ID: 187766). Based on the evidence outlined above, the variant was classified as pathogenic.

GeneDx
Classification: Pathogenic. Last evaluated: 2025-01-22. Review status: criteria provided, single submitter. Criteria: GeneDx Variant Classification Process June 2021. Collection method: clinical testing. Allele origin: germline. Affected: yes.
Comment: Reported previously in a patient with pure ataxia who also harbored a second likely pathogenic variant (phase unknown) (PMID: 33956305); In silico analysis supports that this missense variant has a deleterious effect on protein structure/function; Not observed at significant frequency in large population cohorts (gnomAD); This variant is associated with the following publications: (PMID: 29652299, 22508754, 33332469, 33956305, 35187769, 31707899, 38266593, 25728773, 35426160)

Neurometabolic Diseases Laboratory, Bellvitge Biomedical Research Institute (IDIBELL)
Classification: Pathogenic for Ataxia - oculomotor apraxia type 4. Last evaluated: 2023-04-27. Review status: criteria provided, single submitter. Criteria: ACMG Guidelines, 2015. Collection method: research. Allele origin: germline. Affected: yes.

Dasa
Classification: Pathogenic for Microcephaly, seizures, and developmental delay. Last evaluated: 2022-01-05. Review status: criteria provided, single submitter. Criteria: ACMG Guidelines, 2015. Collection method: clinical testing. Allele origin: germline. Affected: yes. Observed: 1 variant allele.
Comment: The c.1123G>T;p.(Gly375Trp) missense variant has been observed in affected individual(s) and ClinVar contains an entry for this variant (ClinVar ID: 187766; OMIM: 605610.0005; PMID: 32010037; 32347949; 31061747; 31436889; 27890643; 27125728; 29652299; 25728773) - PS4.The variant is located in a mutational hot spot and/or critical and well-established functional domain (AAA_33 domain) - PM1. The variant is present at low allele frequencies population databases (rs786203983– gnomAD 0.0003943%; ABraOM 0.000427 frequency) - PM2_supporting. The p.(Gly375Trp) was detected in trans with a pathogenic variant (PMID: 31061747; 31436889; 27890643; 25728773) - PM3_strong. The variant co-segregated with disease in multiple affected family members (PMID 25728773) - PP1_strong. Multiple lines of computational evidence support a deleterious effect on the gene or gene product - PP3. In summary, the currently available evidence indicates that the variant is pathogenic.

Institute of Medical Genetics and Applied Genomics, University Hospital Tübingen
Classification: Pathogenic. Last evaluated: 2020-10-23. Review status: criteria provided, single submitter. Criteria: ACMG Guidelines, 2015. Collection method: clinical testing. Allele origin: germline. Inheritance: Unknown mechanism. Affected: yes.

Blueprint Genetics
Classification: Pathogenic for PNKP-related disorders. Last evaluated: 2020-02-18. Review status: criteria provided, single submitter. Criteria: ACMG Guidelines, 2015. Collection method: clinical testing. Allele origin: germline. Affected: yes. Observed: 2 variant alleles.

Ambry Genetics
Classification: Pathogenic for Inborn genetic diseases. Last evaluated: 2017-02-22. Review status: criteria provided, single submitter. Criteria: Ambry exome assertion method (8-5-2015). Collection method: clinical testing. Allele origin: germline. Affected: yes. Observed: 1 variant allele.

OMIM
Classification: Pathogenic for ATAXIA-OCULOMOTOR APRAXIA 4. Last evaluated: 2015-03-05. Review status: no assertion criteria provided. Collection method: literature only. Allele origin: germline. Not counted in ClinVar's aggregate classification.

Literature cited by the submitters: PubMed 25728773 (cited by 4 submitters); PubMed 31061747 (cited by Labcorp Genetics (formerly Invitae), Labcorp and Dasa); PubMed 32010037 (cited by Dasa); PubMed 32347949 (cited by Dasa); PubMed 31436889 (cited by Dasa); PubMed 27890643 (cited by Dasa); PubMed 27125728 (cited by Dasa); PubMed 29652299 (cited by Dasa); PubMed 11704758 (cited by Dasa); PubMed 18678442 (cited by Dasa); PubMed 15136689 (cited by Dasa); PubMed 24938145 (cited by Dasa); PubMed 18845387 (cited by Dasa); PubMed 21560189 (cited by Dasa); PubMed 18005052 (cited by Dasa); PubMed 18266750 (cited by Dasa); PubMed 21307862 (cited by Dasa); PubMed 10446192 (cited by Ambry Genetics).